The following is an entry in ClinVar:

NM_019892.6(INPP5E):c.1531_1532delinsCA (p.Ile511His)

Gene: INPP5E (inositol polyphosphate-5-phosphatase E; minus strand). Cytogenetic location: 9q34.3.
Variant type: Indel.
Coding change: c.1531_1532delinsCA on transcript NM_019892.6 (MANE Select); coding-DNA positions 1531 to 1532, AT replaced by CA.
Protein change: p.Ile511His; replaces isoleucine 511 with histidine.
Molecular consequence: missense variant.
Genome position (GRCh38, 1-based): chr9:136,431,841-136,431,842, AT replaced by TG on the plus strand (AT replaced by CA on the coding strand, the reverse complement: INPP5E is on the minus strand). VCF-style: chr9-136431841-AT-TG. GRCh37 (hg19) VCF-style: chr9-139326293-AT-TG.
Other names: c.1528_1529delinsCA, p.Ile510His (NM_001318502.2); short protein forms I510H, I511H.
Identifiers: ClinVar variation 1041130 (VCV001041130.7), dbSNP rs1835712336, ClinGen allele CA1884225172.

ClinVar aggregate classification (germline): Uncertain significance (1 of 4 stars; one submission).

Conditions:
Joubert syndrome. Also called: Familial aplasia of the vermis; CEREBELLOPARENCHYMAL DISORDER IV; JOUBERT-BOLTSHAUSER SYNDROME. Identifiers: Orphanet 475, MedGen C5979921, MONDO:0018772.

Submission:

Labcorp Genetics (formerly Invitae), Labcorp
Classification: Uncertain significance for Joubert syndrome. Last evaluated: 2022-01-13. Review status: criteria provided, single submitter. Criteria: Invitae Variant Classification Sherloc (09022015). Collection method: clinical testing. Allele origin: germline.
Comment: This sequence change replaces isoleucine, which is neutral and non-polar, with histidine, which is basic and polar, at codon 511 of the INPP5E protein (p.Ile511His). In summary, the available evidence is currently insufficient to determine the role of this variant in disease. Therefore, it has been classified as a Variant of Uncertain Significance. Algorithms developed to predict the effect of missense changes on protein structure and function are either unavailable or do not agree on the potential impact of this missense change (SIFT: "Not Available"; PolyPhen-2: "Benign"; Align-GVGD: "Not Available"). ClinVar contains an entry for this variant (Variation ID: 1041130). This variant has not been reported in the literature in individuals affected with INPP5E-related conditions. Information on the frequency of this variant in the gnomAD database is not available, as this variant may be reported differently in the database.